The following is an entry in ClinVar:

ClinVar aggregate classification (germline): Uncertain significance (1 of 4 stars; one submission).

Conditions:
Neuronal ceroid lipofuscinosis. Also called: Neuronal Ceroid Lipofuscinoses. Identifiers: Orphanet 216, Orphanet 79263, MedGen C0027877, MONDO:0016295. Disease mechanism: loss of function.

Submission:

Labcorp Genetics (formerly Invitae), Labcorp
Classification: Uncertain significance for Neuronal ceroid lipofuscinosis. Last evaluated: 2022-07-12. Review status: criteria provided, single submitter. Criteria: Invitae Variant Classification Sherloc (09022015). Collection method: clinical testing. Allele origin: germline.
Comment: This sequence change falls in intron 15 of the CLN3 gene. It does not directly change the encoded amino acid sequence of the CLN3 protein. It affects a nucleotide within the consensus splice site. This variant is not present in population databases (gnomAD no frequency). This variant has not been reported in the literature in individuals affected with CLN3-related conditions. ClinVar contains an entry for this variant (Variation ID: 1462007). Variants that disrupt the consensus splice site are a relatively common cause of aberrant splicing (PMID: 17576681, 9536098). Algorithms developed to predict the effect of sequence changes on RNA splicing suggest that this variant is not likely to affect RNA splicing. In summary, the available evidence is currently insufficient to determine the role of this variant in disease. Therefore, it has been classified as a Variant of Uncertain Significance.

Literature cited by the submitters: PubMed 17576681; PubMed 9536098.

NM_001042432.2(CLN3):c.1198-3C>T

Gene: CLN3 (CLN3 lysosomal/endosomal transmembrane protein, battenin; minus strand). Cytogenetic location: 16p12.1.
Variant type: single nucleotide variant.
Coding change: c.1198-3C>T on transcript NM_001042432.2 (MANE Select); 3 bases into the intron before coding-DNA position 1198, C replaced by T.
Molecular consequence: intron variant.
Genome position (GRCh38, 1-based): chr16:28,477,638, G>A on the plus strand (C>T on the coding strand, the complement: CLN3 is on the minus strand). VCF-style: chr16-28477638-G-A. GRCh37 (hg19) VCF-style: chr16-28488959-G-A.
Other names: c.964-3C>T (NM_001286109.2); c.1126-3C>T (NM_001286104.2); c.898-3C>T (NM_001286105.2); c.1036-3C>T (NM_001286110.2); c.1198-3C>T (NM_000086.2).
Identifiers: ClinVar variation 1462007 (VCV001462007.6), dbSNP rs2046017696, ClinGen allele CA2215691319.
Genomic context (GRCh38, chr16:28,477,638, plus strand): 5'-CCAGTGTGTCAGAGATGCAGGTGGCCGCCATTGCAAACTCCCGGTGCTCATCACTGGTCT[G>A]GGAGGGCAGAGAGCAGGGGTGAGGCTTCAGTCCCAGACATCCCTGCCCTGGGTGTCCCTG-3'